The following is an entry in ClinVar:

NM_005476.7(GNE):c.1792_1793dup (p.Glu599fs)

Gene: GNE (glucosamine (UDP-N-acetyl)-2-epimerase/N-acetylmannosamine kinase; minus strand). Cytogenetic location: 9p13.3.
Variant type: Microsatellite.
Coding change: c.1792_1793dup on transcript NM_005476.7 (MANE Select); coding-DNA positions 1792 to 1793, 2 bases duplicated (AG; older notation c.1792_1793dupAG).
Protein change: p.Glu599fs; shifts the reading frame from glutamic acid 599.
Molecular consequence: frameshift variant.
Genome position (GRCh38, 1-based): chr9:36,219,861-36,219,862, CT duplicated on the plus strand (AG on the coding strand, the reverse complement: GNE is on the minus strand); duplicating any 2 consecutive bases within chr9:36,219,861-36,219,864 gives the same sequence; the c. name uses the placement nearest the transcript's 3' end. VCF-style (leftmost placement, unchanged base first): chr9-36219860-C-CCT. GRCh37 (hg19) VCF-style: chr9-36219857-C-CCT.
Other names: c.1885_1886dupAG (NM_001128227.2); c.1885_1886dup, p.Glu630fs (NM_001128227.3); c.1570_1571dup, p.Glu525fs (NM_001190383.3); c.1462_1463dup, p.Glu489fs (NM_001190384.3); c.1615_1616dup, p.Glu540fs (NM_001190388.2, NM_001374798.1); c.1639_1640dup, p.Glu548fs (NM_001374797.1); c.1885_1886dup (NM_001128227.2); short protein forms E630fs, E599fs, E489fs, E540fs, E548fs, E525fs.
Identifiers: ClinVar variation 597827 (VCV000597827.36), dbSNP rs1436850036, ClinGen allele CA587786760.

ClinVar aggregate classification (germline): Pathogenic/Likely pathogenic. Review status: criteria provided, multiple submitters, no conflicts (2 of 4 stars). 6 submissions from 6 submitters: Pathogenic (3); Likely pathogenic (3). Last evaluated 2025-09-10.

Conditions:
GNE myopathy (NM). Also called: IBM 2; Inclusion body myopathy autosomal recessive; Inclusion body myopathy quadriceps sparing; INCLUSION BODY MYOPATHY, HEREDITARY, AUTOSOMAL RECESSIVE; INCLUSION BODY MYOPATHY 2, AUTOSOMAL RECESSIVE; MYOPATHY, DISTAL, WITH OR WITHOUT RIMMED VACUOLES. Identifiers: Orphanet 602, MedGen C1853926, MONDO:0011603, OMIM 605820.
Thrombocytopenia 12 with or without myopathy (THC12). Identifiers: MedGen C5935593, MONDO:0958325, OMIM 620757.
Sialuria. Also called: SIALURIA, FRENCH TYPE; Sialic Acid Storage Disease. Identifiers: Orphanet 3166, MedGen C0342853, MONDO:0010028, OMIM 269921.

Submissions (6):

Natera, Inc.
Classification: Likely pathogenic for Nonaka myopathy. Last evaluated: 2025-09-10. Review status: criteria provided, single submitter. Criteria: Natera Variant Classification Schema (03/2026). Collection method: clinical testing. Allele origin: germline.
Comment: The c.1885_1886dupAG variant in GNE is a frameshift variant predicted to shift the reading frame beginning at codon 630 and leads to a stop codon 45 codons downstream. This variant is expected to result in nonsense mediated decay, truncation, or a dysfunctional protein product. This variant is rare in the general population with a frequency below the threshold expected for the associated phenotype(s). Given the available evidence, this variant is classified as Likely Pathogenic.

Fulgent Genetics
Classification: Likely pathogenic for Sialuria; GNE myopathy; Thrombocytopenia 12 with or without myopathy. Last evaluated: 2024-04-16. Review status: criteria provided, single submitter. Criteria: ACMG Guidelines, 2015. Collection method: clinical testing. Allele origin: germline.

Labcorp Genetics (formerly Invitae), Labcorp
Classification: Pathogenic for Sialuria; GNE myopathy. Last evaluated: 2024-01-30. Review status: criteria provided, single submitter. Criteria: Invitae Variant Classification Sherloc (09022015). Collection method: clinical testing. Allele origin: germline.
Comment: This sequence change creates a premature translational stop signal (p.Glu630Glyfs*45) in the GNE gene. While this is not anticipated to result in nonsense mediated decay, it is expected to disrupt the last 124 amino acid(s) of the GNE protein. This variant is present in population databases (no rsID available, gnomAD 0.007%). This variant has not been reported in the literature in individuals affected with GNE-related conditions. This variant disrupts a region of the GNE protein in which other variant(s) (p.Met743Thr) have been determined to be pathogenic (PMID: 11528398, 15147877, 15670773, 20300792, 23278550). This suggests that this is a clinically significant region of the protein, and that variants that disrupt it are likely to be disease-causing. For these reasons, this variant has been classified as Pathogenic.

Baylor Genetics
Classification: Likely pathogenic for GNE myopathy. Last evaluated: 2023-12-29. Review status: criteria provided, single submitter. Criteria: ACMG Guidelines, 2015. Collection method: clinical testing. Allele origin: unknown.

CeGaT Center for Human Genetics Tuebingen
Classification: Pathogenic. Last evaluated: 2023-08-01. Review status: criteria provided, single submitter. Criteria: CeGaT Center For Human Genetics Tuebingen Variant Classification Criteria Version 2. Collection method: clinical testing. Allele origin: germline. Affected: yes. Observed: 1 variant allele.
Comment: GNE: PVS1, PM2

Eurofins Ntd Llc (ga)
Classification: Pathogenic. Last evaluated: 2018-06-29. Review status: criteria provided, single submitter. Criteria: EGL ClinVar v180209 classification definitions. Collection method: clinical testing. Allele origin: germline. Observed: 1 variant allele, 1 heterozygote.

Literature cited by the submitters: PubMed 11528398 (cited by Labcorp Genetics (formerly Invitae), Labcorp); PubMed 15147877 (cited by Labcorp Genetics (formerly Invitae), Labcorp); PubMed 15670773 (cited by Labcorp Genetics (formerly Invitae), Labcorp); PubMed 20300792 (cited by Labcorp Genetics (formerly Invitae), Labcorp); PubMed 23278550 (cited by Labcorp Genetics (formerly Invitae), Labcorp).